The following is an entry in ClinVar:

ClinVar aggregate classification (germline): Likely benign. Review status: criteria provided, multiple submitters, no conflicts (2 of 4 stars). 3 submissions from 3 submitters: Likely benign (3). Last evaluated 2026-01-26.

Conditions:
HYPERHOMOCYSTEINEMIA, THROMBOTIC, CBS-RELATED. Identifiers: MedGen C3150344, OMIM 236200.

Allele frequency attached by ClinVar (database versions not stated): gnomAD exomes 0.00006; ExAC 0.00009; gnomAD 0.00013; 1000 Genomes Project 0.00040.

Submissions (3):

Labcorp Genetics (formerly Invitae), Labcorp
Classification: Likely benign for HYPERHOMOCYSTEINEMIA, THROMBOTIC, CBS-RELATED. Last evaluated: 2026-01-26. Review status: criteria provided, single submitter. Criteria: Invitae Variant Classification Sherloc (09022015). Collection method: clinical testing. Allele origin: germline.

Blueprint Genetics
Classification: Likely benign. Last evaluated: 2024-08-28. Review status: criteria provided, single submitter. Criteria: ACMG Guidelines, 2015. Collection method: clinical testing. Allele origin: germline.

GeneDx
Classification: Likely benign. Last evaluated: 2017-09-19. Review status: criteria provided, single submitter. Criteria: GeneDx Variant Classification (06012015). Collection method: clinical testing. Allele origin: germline. Affected: yes.
Comment: This variant is considered likely benign or benign based on one or more of the following criteria: it is a conservative change, it occurs at a poorly conserved position in the protein, it is predicted to be benign by multiple in silico algorithms, and/or has population frequency not consistent with disease.

NM_000071.3(CBS):c.1039+20G>A

Gene: CBS (cystathionine beta-synthase; minus strand). Cytogenetic location: 21q22.3.
Variant type: single nucleotide variant.
Coding change: c.1039+20G>A on transcript NM_000071.3 (MANE Select); 20 bases into the intron after coding-DNA position 1039, G replaced by A.
Molecular consequence: intron variant.
Genome position (GRCh38, 1-based): chr21:43,062,291, C>T on the plus strand (G>A on the coding strand, the complement: CBS is on the minus strand). VCF-style: chr21-43062291-C-T. GRCh37 (hg19) VCF-style: chr21-44482401-C-T.
Other names: c.1039+20G>A (NM_001320298.2, NM_001178009.3, NM_001178008.3); c.724+20G>A (NM_001321072.1).
Identifiers: ClinVar variation 512199 (VCV000512199.7), dbSNP rs548871653, ClinGen allele CA321090319.